The following is an entry in ClinVar:

ClinVar aggregate classification (germline): Uncertain significance (1 of 4 stars; one submission).

Conditions:
Agammaglobulinemia 7, autosomal recessive (AGM7). Also called: AGAMMAGLOBULINEMIA, AUTOSOMAL RECESSIVE, DUE TO PIK3R1 DEFECT. Identifiers: MedGen C3554689, MONDO:0014083, OMIM 615214.
SHORT syndrome. Also called: LIPODYSTROPHY, PARTIAL, WITH RIEGER ANOMALY AND SHORT STATURE; PIK3R1-Related SHORT Syndrome; SHORT STATURE, HYPEREXTENSIBILITY, HERNIA, OCULAR DEPRESSION, RIEGER ANOMALY, AND TEETHING DELAY. Identifiers: Orphanet 3163, MedGen C0878684, MONDO:0010026, OMIM 269880.
Immunodeficiency 36 with lymphoproliferation. Also called: Immunodeficiency 36; Activated PI3K Delta Syndrome Type 2 (APDS2); ACTIVATED PI3K-DELTA SYNDROME 2. Identifiers: Orphanet 397596, Orphanet 693681, MedGen C4014934, MONDO:0014453, OMIM 616005.

Submission:

Labcorp Genetics (formerly Invitae), Labcorp
Classification: Uncertain significance for SHORT syndrome; Immunodeficiency 36 with lymphoproliferation; Agammaglobulinemia 7, autosomal recessive. Last evaluated: 2023-11-03. Review status: criteria provided, single submitter. Criteria: Invitae Variant Classification Sherloc (09022015). Collection method: clinical testing. Allele origin: germline.
Comment: This variant, c.967_978del, results in the deletion of 4 amino acid(s) of the PIK3R1 protein (p.Asn323_Met326del), but otherwise preserves the integrity of the reading frame. This variant is not present in population databases (gnomAD no frequency). This variant has not been reported in the literature in individuals affected with PIK3R1-related conditions. ClinVar contains an entry for this variant (Variation ID: 940717). Experimental studies and prediction algorithms are not available or were not evaluated, and the functional significance of this variant is currently unknown. In summary, the available evidence is currently insufficient to determine the role of this variant in disease. Therefore, it has been classified as a Variant of Uncertain Significance.

NM_181523.3(PIK3R1):c.967_978del (p.Asn323_Met326del)

Gene: PIK3R1 (phosphoinositide-3-kinase regulatory subunit 1; plus strand). Cytogenetic location: 5q13.1.
Variant type: Deletion.
Coding change: c.967_978del on transcript NM_181523.3 (MANE Select); coding-DNA positions 967 to 978, 12 bases deleted (AATAACAATATG).
Protein change: p.Asn323_Met326del.
Molecular consequence: inframe deletion.
Genome position (GRCh38, 1-based): chr5:68,292,309-68,292,320, AATAACAATATG deleted; deleting any 12 consecutive bases within chr5:68,292,305-68,292,320 gives the same sequence; the c. name uses the placement nearest the transcript's 3' end. VCF-style (leftmost placement, unchanged base first): chr5-68292304-GTATGAATAACAA-G. GRCh37 (hg19) VCF-style: chr5-67588132-GTATGAATAACAA-G.
Other names: c.157_168del, p.Asn53_Met56del (NM_181504.4); c.67_78del, p.Asn23_Met26del (NM_181524.2).
Identifiers: ClinVar variation 940717 (VCV000940717.10), dbSNP rs1747439770, ClinGen allele CA1139658870.
Genomic context (GRCh38, chr5:68,292,304, plus strand): 5'-CTTTTTCATCTGCAGCACTGCCTCCTAAACCACCAAAACCTACTACTGTAGCCAACAACG[GTATGAATAACAA>G]TATGTCCTTACAAGATGCTGAATGGTACTGGGGAGATATCTCGAGGTAAGGCTACAGAAA-3'